The following is an entry in ClinVar:

NC_000007.13:g.(56087428_56088765)_(56088925_56099621)dup

Gene: PSPH (phosphoserine phosphatase; minus strand). Cytogenetic location: 7p11.2.
Variant type: Duplication.
Identifiers: ClinVar variation 3251500 (VCV003251500.2).

ClinVar aggregate classification (germline): Uncertain significance (1 of 4 stars; one submission).

Submission:

Women's Health and Genetics/Laboratory Corporation of America, LabCorp
Classification: Uncertain significance. Last evaluated: 2025-09-23. Review status: criteria provided, single submitter. Criteria: LabCorp Variant Classification Summary - May 2015. Collection method: clinical testing. Allele origin: germline.
Comment: Variant summary: The variant involves the duplication of exon 4 in the PSPH gene. A presumed nomenclature of c.(-20+1_-19-1)_(140+1_141-1)dup has been designated for the purposes of this classification. This variant is predicted to duplicate a segment including the initiation codon, therefore its impact on the encoded protein is unknown. In addition, loss-of-function is not currently an established mechanism of disease. The variant allele was found at a frequency of 4.6e-05 in 21694 control chromosomes. The available data on variant occurrences in the general population are insufficient to allow any conclusion about variant significance. To our knowledge, no occurrence of c.(-20+1_-19-1)_(140+1_141-1)dup in individuals affected with PSPH-related conditions and no experimental evidence demonstrating its impact on protein function have been reported. No submitters have cited clinical-significance assessments for this variant to ClinVar. Based on the evidence outlined above, the variant was classified as uncertain significance.